The following is an entry in ClinVar:

NM_000748.3(CHRNB2):c.777A>T (p.Pro259=)

Gene: CHRNB2 (cholinergic receptor nicotinic beta 2 subunit; plus strand). Cytogenetic location: 1q21.3.
Variant type: single nucleotide variant.
Coding change: c.777A>T on transcript NM_000748.3 (MANE Select); coding-DNA position 777, A replaced by T.
Protein change: p.Pro259=; no amino-acid change (proline 259 retained).
Molecular consequence: synonymous variant.
Genome position (GRCh38, 1-based): chr1:154,571,600, A>T. VCF-style: chr1-154571600-A-T. GRCh37 (hg19) VCF-style: chr1-154544076-A-T.
Identifiers: ClinVar variation 381738 (VCV000381738.3), dbSNP rs770431355, ClinGen allele CA16603433.

ClinVar aggregate classification (germline): Likely benign. Review status: criteria provided, multiple submitters, no conflicts (2 of 4 stars). 3 submissions from 3 submitters: Likely benign (3). Last evaluated 2018-12-28.

gnomAD v4.1: 4 of 1,614,198 alleles (0.00025%); highest among the groups gnomAD compares: Non-Finnish European, 0.00034%; no homozygotes.

Submissions (3):

Blueprint Genetics
Classification: Likely benign. Last evaluated: 2018-12-28. Review status: criteria provided, single submitter. Criteria: ACMG Guidelines, 2015. Collection method: clinical testing. Allele origin: germline.

Athena Diagnostics
Classification: Likely benign. Last evaluated: 2018-11-01. Review status: criteria provided, single submitter. Criteria: Athena Diagnostics Criteria. Collection method: clinical testing. Allele origin: germline.

GeneDx
Classification: Likely benign. Last evaluated: 2015-11-13. Review status: criteria provided, single submitter. Criteria: GeneDx Variant Classification (06012015). Collection method: clinical testing. Allele origin: germline. Affected: yes.
Comment: This variant is considered likely benign or benign based on one or more of the following criteria: it is a conservative change, it occurs at a poorly conserved position in the protein, it is predicted to be benign by multiple in silico algorithms, and/or has population frequency not consistent with disease.